The following is an entry in ClinVar:

NM_007186.6(CEP250):c.1637G>A (p.Arg546Gln)

Genes: CEP250 (centrosomal protein 250; plus strand), CEP250-AS1 (CEP250 antisense RNA 1; minus strand). Cytogenetic location: 20q11.22.
Variant type: single nucleotide variant.
Coding change: c.1637G>A on transcript NM_007186.6 (MANE Select); coding-DNA position 1637, G replaced by A.
Protein change: p.Arg546Gln; replaces arginine 546 with glutamine.
Molecular consequence: missense variant. On other transcripts: 5 prime UTR variant (1).
Genome position (GRCh38, 1-based): chr20:35,475,567, G>A. VCF-style: chr20-35475567-G-A. GRCh37 (hg19) VCF-style: chr20-34063392-G-A.
Other names: c.-263G>A (NM_001318219.1); c.1637G>A (NM_007186.3); short protein forms R546Q.
Identifiers: ClinVar variation 1022494 (VCV001022494.10), dbSNP rs776264848, ClinGen allele CA9832982.

ClinVar aggregate classification (germline): Uncertain significance. Review status: criteria provided, multiple submitters, no conflicts (2 of 4 stars). 2 submissions from 2 submitters: Uncertain significance (2). Last evaluated 2023-03-28.

Allele frequency attached by ClinVar (database versions not stated): TOPMed below 0.00001; gnomAD 0.00001; gnomAD exomes 0.00001 and 0.00002; ExAC 0.00002.
gnomAD v4.1: 15 of 1,613,968 alleles (0.00093%); highest among the groups gnomAD compares: East Asian, 0.0022%; no homozygotes.

Submissions (2):

Ambry Genetics
Classification: Uncertain significance. Last evaluated: 2023-03-28. Review status: criteria provided, single submitter. Criteria: Ambry Variant Classification Scheme 2023. Collection method: clinical testing. Allele origin: germline.

Labcorp Genetics (formerly Invitae), Labcorp
Classification: Uncertain significance. Last evaluated: 2022-12-06. Review status: criteria provided, single submitter. Criteria: Invitae Variant Classification Sherloc (09022015). Collection method: clinical testing. Allele origin: germline.
Comment: This sequence change replaces arginine, which is basic and polar, with glutamine, which is neutral and polar, at codon 546 of the CEP250 protein (p.Arg546Gln). This variant is present in population databases (rs776264848, gnomAD 0.006%). This variant has not been reported in the literature in individuals affected with CEP250-related conditions. ClinVar contains an entry for this variant (Variation ID: 1022494). Algorithms developed to predict the effect of missense changes on protein structure and function are either unavailable or do not agree on the potential impact of this missense change (SIFT: "Not Available"; PolyPhen-2: "Probably Damaging"; Align-GVGD: "Not Available"). Algorithms developed to predict the effect of sequence changes on RNA splicing suggest that this variant may create or strengthen a splice site. In summary, the available evidence is currently insufficient to determine the role of this variant in disease. Therefore, it has been classified as a Variant of Uncertain Significance.